The following is an entry in ClinVar:

NM_000548.5(TSC2):c.2296G>T (p.Val766Leu)

Gene: TSC2 (TSC complex subunit 2; plus strand). Cytogenetic location: 16p13.3.
Variant type: single nucleotide variant.
Coding change: c.2296G>T on transcript NM_000548.5 (MANE Select); coding-DNA position 2296, G replaced by T.
Protein change: p.Val766Leu; replaces valine 766 with leucine.
Molecular consequence: missense variant. On other transcripts: non-coding transcript variant (5).
Genome position (GRCh38, 1-based): chr16:2,072,924, G>T. VCF-style: chr16-2072924-G-T. GRCh37 (hg19) VCF-style: chr16-2122925-G-T.
Other names: c.1696G>T, p.Val566Leu (NM_001406685.1, NM_001406686.1, NM_001406687.1 and 6 more transcripts); c.952G>T, p.Val318Leu (NM_001406689.1, NM_001406690.1, NM_001406691.1 and 6 more transcripts); c.694G>T, p.Val232Leu (NM_001406698.1); c.2296G>T, p.Val766Leu (NM_021055.3, NM_001077183.3, NM_001114382.3 and 6 more transcripts); c.2185G>T, p.Val729Leu (NM_001318827.2, NM_001406670.1, NM_001406678.1); c.2149G>T, p.Val717Leu (NM_001318829.2, NM_001406675.1, NM_001406676.1 and 1 more transcripts); c.2329G>T, p.Val777Leu (NM_001318832.2); c.2386G>T, p.Val796Leu (NM_001406667.1, NM_001406668.1); and 3 more; short protein forms V232L, V318L, V566L, V612L, V766L, V729L, V762L, V796L.
Identifiers: ClinVar variation 2626446 (VCV002626446.2), dbSNP rs150672640, ClinGen allele CA394276600.

ClinVar aggregate classification (germline): Uncertain significance (1 of 4 stars; one submission).

Conditions:
Hereditary cancer-predisposing syndrome. Also called: Tumor predisposition; Hereditary Cancer Syndrome; Hereditary neoplastic syndrome; Neoplastic Syndromes, Hereditary. Identifiers: Orphanet 140162, MedGen C0027672, MeSH D009386, MONDO:0015356.

gnomAD v4.1: 2 of 1,613,640 alleles (0.00012%); highest among the groups gnomAD compares: Non-Finnish European, 0.00017%; no homozygotes.

Submission:

Ambry Genetics
Classification: Uncertain significance for Hereditary cancer-predisposing syndrome. Last evaluated: 2023-08-30. Review status: criteria provided, single submitter. Criteria: Ambry Variant Classification Scheme 2023. Collection method: clinical testing. Allele origin: germline.
Comment: The p.V766L variant (also known as c.2296G>T), located in coding exon 20 of the TSC2 gene, results from a G to T substitution at nucleotide position 2296. The valine at codon 766 is replaced by leucine, an amino acid with highly similar properties. This amino acid position is conserved. In addition, this alteration is predicted to be deleterious by in silico analysis. Since supporting evidence is limited at this time, the clinical significance of this alteration remains unclear.